The following is an entry in ClinVar:

NM_005958.4(MTNR1A):c.635T>C (p.Ile212Thr)

Gene: MTNR1A (melatonin receptor 1A; minus strand). Cytogenetic location: 4q35.2.
Variant type: single nucleotide variant.
Coding change: c.635T>C on transcript NM_005958.4 (MANE Select); coding-DNA position 635, T replaced by C.
Protein change: p.Ile212Thr; replaces isoleucine 212 with threonine.
Molecular consequence: missense variant.
Genome position (GRCh38, 1-based): chr4:186,534,107, A>G on the plus strand (T>C on the coding strand, the complement: MTNR1A is on the minus strand). VCF-style: chr4-186534107-A-G. GRCh37 (hg19) VCF-style: chr4-187455261-A-G.
Other names: c.635T>C (NM_005958.3); short protein forms I212T.
Identifiers: ClinVar variation 791529 (VCV000791529.7), dbSNP rs7654853, ClinGen allele CA3164272.

ClinVar aggregate classification (germline): Benign. Review status: criteria provided, multiple submitters, no conflicts (2 of 4 stars). 3 submissions from 3 submitters: Benign (3). Last evaluated 2021-05-05.

Allele frequency attached by ClinVar (database versions not stated): gnomAD exomes 0.00465; ExAC 0.00604; 1000 Genomes Project 0.01817; gnomAD 0.01844 and 0.01973; 1000 Genomes Project 30x 0.02014; TOPMed 0.02056; ESP Exome Variant Server 0.02299.
gnomAD v4.1: 5,290 of 1,614,154 alleles (0.33%); highest among the groups gnomAD compares: African/African-American, 6.3%; 134 homozygotes.

Submissions (3):

GeneDx
Classification: Benign. Last evaluated: 2021-05-05. Review status: criteria provided, single submitter. Criteria: GeneDx Variant Classification Process June 2021. Collection method: clinical testing. Allele origin: germline. Affected: yes.
Comment: This variant is associated with the following publications: (PMID: 20657642)

Labcorp Genetics (formerly Invitae), Labcorp
Classification: Benign. Last evaluated: 2019-12-31. Review status: criteria provided, single submitter. Criteria: Invitae Variant Classification Sherloc (09022015). Collection method: clinical testing. Allele origin: germline.

Breakthrough Genomics
Classification: Benign. Review status: criteria provided, single submitter. Criteria: ACMG Guidelines, 2015. Collection method: not provided. Allele origin: germline. Inheritance: Unknown mechanism. Affected: yes.